The following is an entry in ClinVar:

ClinVar aggregate classification (germline): Uncertain significance (1 of 4 stars; one submission).

Submission:

GeneDx
Classification: Uncertain significance. Last evaluated: 2023-08-15. Review status: criteria provided, single submitter. Criteria: GeneDx Variant Classification Process June 2021. Collection method: clinical testing. Allele origin: germline. Affected: yes.
Comment: Not observed at significant frequency in large population cohorts (gnomAD); In silico analysis supports that this missense variant has a deleterious effect on protein structure/function; Has not been previously published as pathogenic or benign to our knowledge

NM_014991.6(WDFY3):c.9353C>T (p.Thr3118Ile)

Gene: WDFY3 (WD repeat and FYVE domain containing 3; minus strand). Cytogenetic location: 4q21.23.
Variant type: single nucleotide variant.
Coding change: c.9353C>T on transcript NM_014991.6 (MANE Select); coding-DNA position 9353, C replaced by T.
Protein change: p.Thr3118Ile; replaces threonine 3118 with isoleucine.
Molecular consequence: missense variant.
Genome position (GRCh38, 1-based): chr4:84,690,516, G>A on the plus strand (C>T on the coding strand, the complement: WDFY3 is on the minus strand). VCF-style: chr4-84690516-G-A. GRCh37 (hg19) VCF-style: chr4-85611669-G-A.
Other names: short protein forms T3118I.
Identifiers: ClinVar variation 3253574 (VCV003253574.1), dbSNP rs2530734282.